The following is an entry in ClinVar:

ClinVar aggregate classification (germline): Benign/Likely benign. Review status: criteria provided, multiple submitters, no conflicts (2 of 4 stars). 18 submissions from 17 submitters: Benign (13); Likely benign (4). 1 of the submissions does not count toward it. Last evaluated 2026-02-04.

Conditions:
Hereditary cancer-predisposing syndrome. Also called: Hereditary Cancer Syndrome; Tumor predisposition; Neoplastic Syndromes, Hereditary; Hereditary neoplastic syndrome. Identifiers: Orphanet 140162, MedGen C0027672, MeSH D009386, MONDO:0015356.
Lymphangiomyomatosis (LAM). Also called: Lymphangioleiomyomatosis; Lymphangioleiomyomatosis, somatic. Identifiers: Orphanet 538, MedGen C0751674, MONDO:0011705, OMIM 606690.
Isolated focal cortical dysplasia type II (FCORD2). Also called: CORTICAL DYSPLASIA OF TAYLOR; Focal cortical dysplasia type II. Identifiers: Orphanet 268994, MedGen C1846385, MONDO:0011818, OMIM 607341, HP:0032051.
Tuberous sclerosis 1 (TSC1). Identifiers: Orphanet 805, MedGen C1854465, MONDO:0008612, OMIM 191100.
Tuberous sclerosis syndrome (TSC). Also called: Tuberous Sclerosis Complex; Tuberous sclerosis. Identifiers: Orphanet 805, MedGen C0041341, MONDO:0001734.

Allele frequency attached by ClinVar (database versions not stated): gnomAD exomes 0.00022 and 0.00056; ESP Exome Variant Server 0.00023; gnomAD 0.00023 and 0.00025; TOPMed 0.00026; ExAC 0.00058; 1000 Genomes Project 30x 0.00109; 1000 Genomes Project 0.00120.
gnomAD v4.1: 379 of 1,614,220 alleles (0.023%); highest among the groups gnomAD compares: East Asian, 0.2%; 4 homozygotes.

Submissions (18):

Labcorp Genetics (formerly Invitae), Labcorp
Classification: Benign for Tuberous sclerosis 1. Last evaluated: 2026-02-04. Review status: criteria provided, single submitter. Criteria: Invitae Variant Classification Sherloc (09022015). Collection method: clinical testing. Allele origin: germline.

CeGaT Center for Human Genetics Tuebingen
Classification: Likely benign. Last evaluated: 2025-12-01. Review status: criteria provided, single submitter. Criteria: CeGaT Center For Human Genetics Tuebingen Variant Classification Criteria Version 2. Collection method: clinical testing. Allele origin: germline. Affected: yes. Observed: 17 variant alleles.
Comment: TSC1: BP4, BP7

Myriad Genetics, Inc.
Classification: Benign for Tuberous sclerosis 1. Last evaluated: 2025-04-08. Review status: criteria provided, single submitter. Criteria: Myriad Autosomal Dominant, Autosomal Recessive and X-Linked Classification Criteria (2023). Collection method: clinical testing. Allele origin: unknown.
Comment: This variant is considered benign. This variant is a silent/synonymous amino acid change and it is not expected to impact splicing.

Blueprint Genetics
Classification: Likely benign. Last evaluated: 2024-11-22. Review status: criteria provided, single submitter. Criteria: ACMG Guidelines, 2015. Collection method: clinical testing. Allele origin: germline.

All of Us Research Program, National Institutes of Health
Classification: Benign for Tuberous sclerosis syndrome. Last evaluated: 2024-09-03. Review status: criteria provided, single submitter. Criteria: ACMG Guidelines, 2015. Collection method: clinical testing. Allele origin: germline. Inheritance: Autosomal dominant inheritance. Observed: 110 variant alleles, 110 heterozygotes.
Comment: This study involves interpretation of variants in research participants for the purpose of population health screening. Participant phenotype was not available at the time of variant classification. Additional details can be found in publication PMID: 35346344, PMCID: PMC8962531

Color Diagnostics, LLC DBA Color Health
Classification: Benign for Tuberous sclerosis syndrome. Last evaluated: 2024-03-06. Review status: criteria provided, single submitter. Criteria: ACMG Guidelines, 2015. Collection method: clinical testing. Allele origin: germline.

Quest Diagnostics Nichols Institute San Juan Capistrano
Classification: Benign. Last evaluated: 2022-10-08. Review status: criteria provided, single submitter. Criteria: Quest Diagnostics criteria. Collection method: clinical testing. Allele origin: unknown.
Comment: The frequency of this variant in the general population is higher than would generally be expected for pathogenic variants in this gene. Computational tools yielded predictions that this variant is unlikely to have an effect on normal RNA splicing. This nucleotide position exhibits low evolutionary conservation. This variant has been seen where an alternate explanation for disease was also identified.

Genome-Nilou Lab
Classification: Benign for Tuberous sclerosis 1. Last evaluated: 2021-11-07. Review status: criteria provided, single submitter. Criteria: ACMG Guidelines, 2015. Collection method: clinical testing. Allele origin: germline. Affected: no.

Fulgent Genetics
Classification: Benign for Tuberous sclerosis 1; Lymphangiomyomatosis; Isolated focal cortical dysplasia type II. Last evaluated: 2021-07-30. Review status: criteria provided, single submitter. Criteria: ACMG Guidelines, 2015. Collection method: clinical testing. Allele origin: unknown.

Women's Health and Genetics/Laboratory Corporation of America, LabCorp
Classification: Benign. Last evaluated: 2021-01-29. Review status: criteria provided, single submitter. Criteria: LabCorp Variant Classification Summary - May 2015. Collection method: clinical testing. Allele origin: germline.

Sema4
Classification: Benign for Hereditary cancer-predisposing syndrome. Last evaluated: 2020-07-21. Review status: criteria provided, single submitter. Criteria: Sema4 Curation Guidelines. Collection method: curation. Allele origin: germline.

Illumina Laboratory Services, Illumina
Classification: Benign for Tuberous sclerosis 1. Last evaluated: 2018-01-12. Review status: criteria provided, single submitter. Criteria: ICSL Variant Classification Criteria 13 December 2019. Collection method: clinical testing. Allele origin: germline.
Comment: This variant was observed in the ICSL laboratory as part of a predisposition screen in an ostensibly healthy population. It had not been previously curated by ICSL or reported in the Human Gene Mutation Database (HGMD: prior to June 1st, 2018), and was therefore a candidate for classification through an automated scoring system. Utilizing variant allele frequency, disease prevalence and penetrance estimates, and inheritance mode, an automated score was calculated to assess if this variant is too frequent to cause the disease. Based on the score and internal cut-off values, a variant classified as benign is not then subjected to further curation. The score for this variant resulted in a classification of benign for this disease.

Illumina Laboratory Services, Illumina
Classification: Benign for Isolated focal cortical dysplasia type II. Last evaluated: 2018-01-12. Review status: criteria provided, single submitter. Criteria: ICSL Variant Classification Criteria 13 December 2019. Collection method: clinical testing. Allele origin: germline.
Comment: the same text as in the submission from Illumina Laboratory Services, Illumina above.

GeneDx
Classification: Benign. Last evaluated: 2015-04-03. Review status: criteria provided, single submitter. Criteria: GeneDx Variant Classification (06012015). Collection method: clinical testing. Allele origin: germline. Affected: yes.
Comment: This variant is considered likely benign or benign based on one or more of the following criteria: it is a conservative change, it occurs at a poorly conserved position in the protein, it is predicted to be benign by multiple in silico algorithms, and/or has population frequency not consistent with disease.

Eurofins Ntd Llc (ga)
Classification: Benign. Last evaluated: 2015-03-25. Review status: criteria provided, single submitter. Criteria: EGL Classification Definitions 2015. Collection method: clinical testing. Allele origin: germline. Observed: 1 variant allele, 1 heterozygote.

Ambry Genetics
Classification: Likely benign for Hereditary cancer-predisposing syndrome. Last evaluated: 2014-11-19. Review status: criteria provided, single submitter. Criteria: Ambry Variant Classification Scheme 2023. Collection method: clinical testing. Allele origin: germline.

PreventionGenetics, part of Exact Sciences
Classification: Likely benign. Review status: criteria provided, single submitter. Criteria: ACMG Guidelines, 2015. Collection method: clinical testing. Allele origin: germline.

Tuberous sclerosis database (TSC1)
No classification provided. Condition: TSC. Review status: no classification provided. Criteria: Tuberous Sclerosis Database Assertion Criteria 2015. Collection method: curation. Allele origin: germline. Affected: yes. Not counted in ClinVar's aggregate classification.

NM_000368.5(TSC1):c.615T>C (p.Ser205=)

Gene: TSC1 (TSC complex subunit 1; minus strand). Cytogenetic location: 9q34.13.
Variant type: single nucleotide variant.
Coding change: c.615T>C on transcript NM_000368.5 (MANE Select); coding-DNA position 615, T replaced by C.
Protein change: p.Ser205=; no amino-acid change (serine 205 retained).
Molecular consequence: synonymous variant.
Genome position (GRCh38, 1-based): chr9:132,921,867, A>G on the plus strand (T>C on the coding strand, the complement: TSC1 is on the minus strand). VCF-style: chr9-132921867-A-G. GRCh37 (hg19) VCF-style: chr9-135797254-A-G.
Other names: c.615T>C, p.Ser205= (NM_001162426.2); c.462T>C, p.Ser154= (NM_001162427.2); c.252T>C, p.Ser84= (NM_001362177.2).
Identifiers: ClinVar variation 49071 (VCV000049071.65), dbSNP rs118203414, ClinGen allele CA007907.
Genomic context (GRCh38, chr9:132,921,867, plus strand): 5'-GTTTCAATTTACCTTGACCACTTCTTCAAAAGTCTCCAGGTTTTCTTTCATACTGTAATG[A>G]GAACGCAAAAAGGAGACGAAGTTGCAAGGGTACATTCCATAAAGGCGATGAAAGAGTGCG-3'
Protein context (NP_000359.1, residues 195-215): YPCNFVSFLR[Ser205=]HYSMKENLET